The following is an entry in ClinVar:

NM_001384140.1(PCDH15):c.2118_2119insA (p.Val707fs)

Gene: PCDH15 (protocadherin related 15; minus strand). Cytogenetic location: 10q21.1.
Variant type: Insertion.
Coding change: c.2118_2119insA on transcript NM_001384140.1 (MANE Select); coding-DNA positions 2118 to 2119, A inserted.
Protein change: p.Val707fs; shifts the reading frame from valine 707.
Molecular consequence: frameshift variant.
Genome position: GRCh38 VCF-style: chr10-54066858-C-CT. GRCh37 (hg19) VCF-style: chr10-55826618-C-CT.
Other names: c.2133_2134insA, p.Val712fs (NM_001142763.2, NM_001142771.2); c.2118_2119insA, p.Val707fs (NM_001142764.2, NM_001142766.2, NM_001142770.3 and 5 more transcripts); c.1905_1906insA, p.Val636fs (NM_001142765.2); c.2007_2008insA, p.Val670fs (NM_001142767.2); c.2052_2053insA, p.Val685fs (NM_001142768.2, NM_001142773.2, NM_001354404.2); c.2154_2155insA, p.Val719Serfs (NM_001142769.4); c.2139_2140insA, p.Val714fs (NM_001354411.2); short protein forms V636fs, V670fs, V685fs, V707fs, V712fs, V714fs, V719fs.
Identifiers: ClinVar variation 1725261 (VCV001725261.2), dbSNP rs2539768291, ClinGen allele CA2580081630.
Genomic context (GRCh38, chr10:54,066,858, plus strand): 5'-CAGATAAATTTCTTGGCAGATAAGGATCAAACACTGGAGCATTGTCATTGACATCTGTCA[C>CT]CACTATGTTTACTGTGGCAGTTGAGGTCTTAAAGAAAAACACAAGCATTAAATGTGAGAG-3'

ClinVar aggregate classification (germline): Likely pathogenic (1 of 4 stars; one submission).

Conditions:
Usher syndrome type 1D (USH1D). Also called: USHER SYNDROME, TYPE ID. Identifiers: Orphanet 231169, Orphanet 886, MedGen C1832845, MONDO:0010984, OMIM 601067.

Submission:

Myriad Genetics, Inc.
Classification: Likely pathogenic for Usher syndrome type 1D. Last evaluated: 2022-03-15. Review status: criteria provided, single submitter. Criteria: Myriad Women's Health Autosomal Recessive and X-Linked Classification Criteria (2021). Collection method: clinical testing. Allele origin: unknown.
Comment: NM_033056.3(PCDH15):c.2118_2119insA(V707Sfs*6) is expected to be pathogenic in the context of PCDH15-related disorders. This variant is predicted to lead to an abnormal or absent protein product due to the creation of a premature termination codon in PCDH15, a gene where loss-of-function variants are known to be pathogenic. Please note: this variant was assessed in the context of healthy population screening.